The following is an entry in ClinVar:

ClinVar aggregate classification (germline): Uncertain significance. Review status: criteria provided, multiple submitters, no conflicts (2 of 4 stars). 4 submissions from 4 submitters: Uncertain significance (4). Last evaluated 2025-07-30.

Conditions:
Nijmegen breakage syndrome-like disorder (NBSLD). Also called: MICROCEPHALY AND SPONTANEOUS CHROMOSOME INSTABILITY WITHOUT IMMUNODEFICIENCY; NBS-LIKE DISORDER; RAD50 DEFICIENCY. Identifiers: Orphanet 240760, MedGen C2751318, MONDO:0013118, OMIM 613078.
Hereditary cancer-predisposing syndrome. Also called: Neoplastic Syndromes, Hereditary; Tumor predisposition; Hereditary Cancer Syndrome; Hereditary neoplastic syndrome. Identifiers: Orphanet 140162, MedGen C0027672, MeSH D009386, MONDO:0015356.

Allele frequency attached by ClinVar (database versions not stated): gnomAD 0.00004 and 0.00003; ExAC 0.00001; gnomAD exomes 0.00001; TOPMed 0.00003.
gnomAD v4.1: 12 of 1,613,704 alleles (0.00074%); highest among the groups gnomAD compares: African/African-American, 0.0093%; no homozygotes.

Submissions (4):

Labcorp Genetics (formerly Invitae), Labcorp
Classification: Uncertain significance for Hereditary cancer-predisposing syndrome. Last evaluated: 2025-07-30. Review status: criteria provided, single submitter. Criteria: Invitae Variant Classification Sherloc (09022015). Collection method: clinical testing. Allele origin: germline.
Comment: This sequence change replaces arginine, which is basic and polar, with cysteine, which is neutral and slightly polar, at codon 535 of the RAD50 protein (p.Arg535Cys). This variant is present in population databases (rs762188153, gnomAD 0.007%). This missense change has been observed in individual(s) with pancreatic cancer (PMID: 36135357). ClinVar contains an entry for this variant (Variation ID: 231548). Invitae Evidence Modeling of protein sequence and biophysical properties (such as structural, functional, and spatial information, amino acid conservation, physicochemical variation, residue mobility, and thermodynamic stability) indicates that this missense variant is expected to disrupt RAD50 protein function with a positive predictive value of 80%. In summary, the available evidence is currently insufficient to determine the role of this variant in disease. Therefore, it has been classified as a Variant of Uncertain Significance.

Quest Diagnostics Nichols Institute San Juan Capistrano
Classification: Uncertain significance. Last evaluated: 2025-04-28. Review status: criteria provided, single submitter. Criteria: Quest Diagnostics criteria. Collection method: clinical testing. Allele origin: unknown.
Comment: The RAD50 c.1603C>T (p.Arg535Cys) variant has been reported in the published literature in an individual with pancreatic cancer (PMID: 36135357 (2022)). The frequency of this variant in the general population (Genome Aggregation Database) is uninformative in the assessment of its pathogenicity. Analysis of this variant using bioinformatics tools for the prediction of the effect of amino acid changes on protein structure and function yielded conflicting predictions that this variant is benign or damaging. Based on the available information, we are unable to determine the clinical significance of this variant.

Baylor Genetics
Classification: Uncertain significance for Nijmegen breakage syndrome-like disorder. Last evaluated: 2023-10-17. Review status: criteria provided, single submitter. Criteria: ACMG Guidelines, 2015. Collection method: clinical testing. Allele origin: unknown.

Ambry Genetics
Classification: Uncertain significance for Hereditary cancer-predisposing syndrome. Last evaluated: 2023-01-23. Review status: criteria provided, single submitter. Criteria: Ambry Variant Classification Scheme 2023. Collection method: clinical testing. Allele origin: germline.
Comment: The p.R535C variant (also known as c.1603C>T), located in coding exon 10 of the RAD50 gene, results from a C to T substitution at nucleotide position 1603. The arginine at codon 535 is replaced by cysteine, an amino acid with highly dissimilar properties. This amino acid position is well conserved in available vertebrate species. In addition, this alteration is predicted to be deleterious by in silico analysis. Since supporting evidence is limited at this time, the clinical significance of this alteration remains unclear.

Literature cited by the submitters: PubMed 36135357 (cited by Labcorp Genetics (formerly Invitae), Labcorp and Quest Diagnostics Nichols Institute San Juan Capistrano); PubMed 32832836 (cited by Quest Diagnostics Nichols Institute San Juan Capistrano).

NM_005732.4(RAD50):c.1603C>T (p.Arg535Cys)

Gene: RAD50 (RAD50 double strand break repair protein; plus strand). Cytogenetic location: 5q31.1.
Variant type: single nucleotide variant.
Coding change: c.1603C>T on transcript NM_005732.4 (MANE Select); coding-DNA position 1603, C replaced by T.
Protein change: p.Arg535Cys; replaces arginine 535 with cysteine.
Molecular consequence: missense variant.
Genome position (GRCh38, 1-based): chr5:132,591,374, C>T. VCF-style: chr5-132591374-C-T. GRCh37 (hg19) VCF-style: chr5-131927066-C-T.
Other names: short protein forms R535C.
Identifiers: ClinVar variation 231548 (VCV000231548.17), dbSNP rs762188153, ClinGen allele CA3405203.